The following is an entry in ClinVar:

ClinVar aggregate classification (germline): Likely benign (0 of 4 stars; one submission).

Conditions:
CEP170B-related disorder. Also called: CEP170B-related condition.

Allele frequency attached by ClinVar (database versions not stated): ExAC 0.00003; gnomAD exomes 0.00004; gnomAD 0.00005; TOPMed 0.00006; ESP Exome Variant Server 0.00008.
gnomAD v4.1: 68 of 1,608,582 alleles (0.0042%); highest among the groups gnomAD compares: East Asian, 0.011%; no homozygotes.

Submission:

PreventionGenetics, part of Exact Sciences
Classification: Likely benign for CEP170B-related condition. Last evaluated: 2020-01-23. Review status: no assertion criteria provided. Collection method: clinical testing. Allele origin: germline.
Comment: This variant is classified as likely benign based on ACMG/AMP sequence variant interpretation guidelines (Richards et al. 2015 PMID: 25741868, with internal and published modifications).

NM_001112726.3(CEP170B):c.4271+8G>A

Gene: CEP170B (centrosomal protein 170B; plus strand). Cytogenetic location: 14q32.33.
Variant type: single nucleotide variant.
Coding change: c.4271+8G>A on transcript NM_001112726.3 (MANE Select); 8 bases into the intron after coding-DNA position 4271, G replaced by A.
Molecular consequence: intron variant.
Genome position (GRCh38, 1-based): chr14:104,893,857, G>A. VCF-style: chr14-104893857-G-A. GRCh37 (hg19) VCF-style: chr14-105360194-G-A.
Other names: c.4166+8G>A (NM_015005.3).
Identifiers: ClinVar variation 3051201 (VCV003051201.2), dbSNP rs371748695, ClinGen allele CA7376440.